The following is an entry in ClinVar:

ClinVar aggregate classification (germline): Uncertain significance. Review status: criteria provided, multiple submitters, no conflicts (2 of 4 stars). 2 submissions from 2 submitters: Uncertain significance (2). Last evaluated 2022-12-24.

Conditions:
Hereditary cancer-predisposing syndrome. Also called: Neoplastic Syndromes, Hereditary; Hereditary Cancer Syndrome; Tumor predisposition; Hereditary neoplastic syndrome. Identifiers: Orphanet 140162, MedGen C0027672, MeSH D009386, MONDO:0015356.

Allele frequency attached by ClinVar (database versions not stated): gnomAD exomes below 0.00001.
gnomAD v4.1: 1 of 1,613,678 alleles (0.000062%); highest among the groups gnomAD compares: African/African-American, 0.0013%; no homozygotes.

Submissions (2):

Ambry Genetics
Classification: Uncertain significance for Hereditary cancer-predisposing syndrome. Last evaluated: 2022-12-24. Review status: criteria provided, single submitter. Criteria: Ambry Variant Classification Scheme 2023. Collection method: clinical testing. Allele origin: germline.
Comment: The p.K453R variant (also known as c.1358A>G), located in coding exon 9 of the RAD50 gene, results from an A to G substitution at nucleotide position 1358. The lysine at codon 453 is replaced by arginine, an amino acid with highly similar properties. This amino acid position is conserved. In addition, this alteration is predicted to be tolerated by in silico analysis. Since supporting evidence is limited at this time, the clinical significance of this alteration remains unclear.

Labcorp Genetics (formerly Invitae), Labcorp
Classification: Uncertain significance for Hereditary cancer-predisposing syndrome. Last evaluated: 2020-06-21. Review status: criteria provided, single submitter. Criteria: Invitae Variant Classification Sherloc (09022015). Collection method: clinical testing. Allele origin: germline.
Comment: In summary, the available evidence is currently insufficient to determine the role of this variant in disease. Therefore, it has been classified as a Variant of Uncertain Significance. Algorithms developed to predict the effect of missense changes on protein structure and function (SIFT, PolyPhen-2, Align-GVGD) all suggest that this variant is likely to be tolerated, but these predictions have not been confirmed by published functional studies and their clinical significance is uncertain. This variant has not been reported in the literature in individuals with RAD50-related conditions. This variant is not present in population databases (ExAC no frequency). This sequence change replaces lysine with arginine at codon 453 of the RAD50 protein (p.Lys453Arg). The lysine residue is moderately conserved and there is a small physicochemical difference between lysine and arginine.

NM_005732.4(RAD50):c.1358A>G (p.Lys453Arg)

Gene: RAD50 (RAD50 double strand break repair protein; plus strand). Cytogenetic location: 5q31.1.
Variant type: single nucleotide variant.
Coding change: c.1358A>G on transcript NM_005732.4 (MANE Select); coding-DNA position 1358, A replaced by G.
Protein change: p.Lys453Arg; replaces lysine 453 with arginine.
Molecular consequence: missense variant.
Genome position (GRCh38, 1-based): chr5:132,589,743, A>G. VCF-style: chr5-132589743-A-G. GRCh37 (hg19) VCF-style: chr5-131925435-A-G.
Other names: c.1358A>G (NM_005732.3); short protein forms K453R.
Identifiers: ClinVar variation 1037504 (VCV001037504.10), dbSNP rs1750664308, ClinGen allele CA360944285.